The following is an entry in ClinVar:

NM_001365999.1(SZT2):c.8137G>A (p.Val2713Met)

Gene: SZT2 (SZT2 subunit of KICSTOR complex; plus strand). Cytogenetic location: 1p34.2.
Variant type: single nucleotide variant.
Coding change: c.8137G>A on transcript NM_001365999.1 (MANE Select); coding-DNA position 8137, G replaced by A.
Protein change: p.Val2713Met; replaces valine 2713 with methionine.
Molecular consequence: missense variant.
Genome position (GRCh38, 1-based): chr1:43,442,604, G>A. VCF-style: chr1-43442604-G-A. GRCh37 (hg19) VCF-style: chr1-43908275-G-A.
Other names: c.7966G>A, p.Val2656Met (NM_015284.4); short protein forms V2656M, V2713M.
Identifiers: ClinVar variation 589891 (VCV000589891.19), dbSNP rs773129616, ClinGen allele CA810447.
Genomic context (GRCh38, chr1:43,442,604, plus strand): 5'-TTCTGCCTACTCAGCCAGAAGCTTGGCCTCTTCCATCATTATGGCCAGTTGGACTTCCCC[G>A]TGCGAGATGAAAAGGTGCCTGCTGCTCTGGTTCTTCCTATAGTTTTGGCTACTGAGGGGT-3'
Protein context (NP_001352928.1, residues 2703-2723): FHHYGQLDFP[Val2713Met]RDEKEPNPFL

ClinVar aggregate classification (germline): Uncertain significance. Review status: criteria provided, multiple submitters, no conflicts (2 of 4 stars). 5 submissions from 5 submitters: Uncertain significance (5). Last evaluated 2025-04-11.

Conditions:
Developmental and epileptic encephalopathy, 18 (DEE18). Also called: Early infantile epileptic encephalopathy 18. Identifiers: Orphanet 369894, MedGen C3809624, MONDO:0014201, OMIM 615476.
Inborn genetic diseases. Identifiers: MedGen C0950123, MeSH D030342.

Allele frequency attached by ClinVar (database versions not stated): gnomAD 0.00001 and 0.00002; gnomAD exomes 0.00001 and 0.00002; TOPMed 0.00002; ExAC 0.00003.
gnomAD v4.1: 20 of 1,603,874 alleles (0.0012%); highest among the groups gnomAD compares: South Asian, 0.0089%; no homozygotes.

Submissions (5):

Ambry Genetics
Classification: Uncertain significance for Inborn genetic diseases. Last evaluated: 2025-04-11. Review status: criteria provided, single submitter. Criteria: Ambry Variant Classification Scheme 2023. Collection method: clinical testing. Allele origin: germline.

Labcorp Genetics (formerly Invitae), Labcorp
Classification: Uncertain significance. Last evaluated: 2023-11-27. Review status: criteria provided, single submitter. Criteria: Invitae Variant Classification Sherloc (09022015). Collection method: clinical testing. Allele origin: germline.
Comment: This sequence change replaces valine, which is neutral and non-polar, with methionine, which is neutral and non-polar, at codon 2656 of the SZT2 protein (p.Val2656Met). This variant is present in population databases (rs773129616, gnomAD 0.007%). This variant has not been reported in the literature in individuals affected with SZT2-related conditions. ClinVar contains an entry for this variant (Variation ID: 589891). Advanced modeling of protein sequence and biophysical properties (such as structural, functional, and spatial information, amino acid conservation, physicochemical variation, residue mobility, and thermodynamic stability) performed at Invitae indicates that this missense variant is not expected to disrupt SZT2 protein function with a negative predictive value of 80%. In summary, the available evidence is currently insufficient to determine the role of this variant in disease. Therefore, it has been classified as a Variant of Uncertain Significance.

Institute of Human Genetics, University of Leipzig Medical Center
Classification: Uncertain significance for Developmental and epileptic encephalopathy, 18. Last evaluated: 2023-11-08. Review status: criteria provided, single submitter. Criteria: ACMG Guidelines, 2015. Collection method: clinical testing. Allele origin: maternal. Inheritance: Autosomal recessive inheritance. Affected: yes.
Comment: Criteria applied: PS4_SUP,PM2_SUP; Gnomad: The estimated probability that these variants occur in different haplotypes is 100%.

Genome-Nilou Lab
Classification: Uncertain significance for Developmental and epileptic encephalopathy, 18. Last evaluated: 2023-04-11. Review status: criteria provided, single submitter. Criteria: ACMG Guidelines, 2015. Collection method: clinical testing. Allele origin: germline. Affected: no.

Revvity Omics, Revvity
Classification: Uncertain significance for Developmental and epileptic encephalopathy, 18. Last evaluated: 2022-01-26. Review status: criteria provided, single submitter. Criteria: ACMG Guidelines, 2015. Collection method: clinical testing. Allele origin: germline.